The following is an entry in ClinVar:

ClinVar aggregate classification (germline): Conflicting classifications of pathogenicity. Review status: criteria provided, conflicting classifications (1 of 4 stars). 4 submissions from 4 submitters: Uncertain significance (2); Likely benign (2). Last evaluated 2026-02-01.

Conditions:
COL7A1-related disorder. Also called: COL7A1-related condition; COL7A1- related disorders.
Recessive dystrophic epidermolysis bullosa (RDEB). Also called: severe generalized recessive dystrophic epidermolysis bullosa; Epidermolysis Bullosa Distrophica Autosomal Recessive (RDEB); epidermolysis bullosa dystrophica, autosomal recessive; EPIDERMOLYSIS BULLOSA DYSTROPHICA, GENERALIZED SEVERE, AUTOSOMAL RECESSIVE; Hallopeau-Siemens Disease; Recessive DEB (RDEB). Identifiers: Orphanet 79408, Orphanet 79409, MedGen C0079474, MONDO:0009179, OMIM 226600.
Epidermolysis bullosa dystrophica. Also called: Dystrophic epidermolysis bullosa, Hallopeau-Siemens type (formerly); Dystrophic epidermolysis bullosa. Identifiers: Orphanet 303, MedGen C0079294, MONDO:0006543.

Allele frequency attached by ClinVar (database versions not stated): 1000 Genomes Project 0.00020; gnomAD 0.00042 and 0.00044; ExAC 0.00046; TOPMed 0.00048; gnomAD exomes 0.00049 and 0.00057; ESP Exome Variant Server 0.00069.
gnomAD v4.1: 794 of 1,614,040 alleles (0.049%); highest among the groups gnomAD compares: Admixed American, 0.097%; no homozygotes.

Submissions (4):

Labcorp Genetics (formerly Invitae), Labcorp
Classification: Likely benign. Last evaluated: 2026-02-01. Review status: criteria provided, single submitter. Criteria: Invitae Variant Classification Sherloc (09022015). Collection method: clinical testing. Allele origin: germline.

PreventionGenetics, part of Exact Sciences
Classification: Likely benign for COL7A1-related condition. Last evaluated: 2024-12-17. Review status: criteria provided, single submitter. Criteria: ACMG Guidelines, 2015. Collection method: clinical testing. Allele origin: germline.
Comment: This variant is classified as likely benign based on ACMG/AMP sequence variant interpretation guidelines (Richards et al. 2015 PMID: 25741868, with internal and published modifications).

Department of Pathology and Laboratory Medicine, Sinai Health System
Classification: Uncertain significance for recessive dystrophic epidermolysis bullosa. Last evaluated: 2022-05-30. Review status: criteria provided, single submitter. Criteria: ACMG Guidelines, 2015. Collection method: research. Allele origin: germline.

Illumina Laboratory Services, Illumina
Classification: Uncertain significance for Dystrophic epidermolysis bullosa. Last evaluated: 2017-04-27. Review status: criteria provided, single submitter. Criteria: ICSL Variant Classification Criteria 13 December 2019. Collection method: clinical testing. Allele origin: germline.
Comment: This variant was observed as part of a predisposition screen in an ostensibly healthy population. A literature search was performed for the gene, cDNA change, and amino acid change (where applicable). Publications were found based on this search. However, the evidence from the literature, in combination with allele frequency data from public databases where available, was not sufficient to rule this variant in or out of causing disease. Therefore, this variant is classified as a variant of unknown significance.

Literature cited by the submitters: PubMed 22070715 (cited by Illumina Laboratory Services, Illumina).

NM_000094.4(COL7A1):c.592G>A (p.Val198Ile)

Gene: COL7A1 (collagen type VII alpha 1 chain; minus strand). Cytogenetic location: 3p21.31.
Variant type: single nucleotide variant.
Coding change: c.592G>A on transcript NM_000094.4 (MANE Select); coding-DNA position 592, G replaced by A.
Protein change: p.Val198Ile; replaces valine 198 with isoleucine.
Molecular consequence: missense variant.
Genome position (GRCh38, 1-based): chr3:48,593,192, C>T on the plus strand (G>A on the coding strand, the complement: COL7A1 is on the minus strand). VCF-style: chr3-48593192-C-T. GRCh37 (hg19) VCF-style: chr3-48630625-C-T.
Other names: short protein forms V198I.
Identifiers: ClinVar variation 903504 (VCV000903504.13), dbSNP rs147177277, ClinGen allele CA2381506.